The following is an entry in ClinVar:

NM_000426.4(LAMA2):c.1122del (p.Gly376fs)

Gene: LAMA2 (laminin subunit alpha 2; plus strand). Cytogenetic location: 6q22.33.
Variant type: Deletion.
Coding change: c.1122del on transcript NM_000426.4 (MANE Select); coding-DNA position 1122, one base deleted (A; older notation c.1122delA).
Protein change: p.Gly376fs; shifts the reading frame from glycine 376.
Molecular consequence: frameshift variant.
Genome position (GRCh38, 1-based): chr6:129,154,599, A deleted. VCF-style (leftmost placement, unchanged base first): chr6-129154598-GA-G. GRCh37 (hg19) VCF-style: chr6-129475743-GA-G.
Other names: c.1122delA (NM_000426.3); c.1122del, p.Gly376fs (NM_001079823.2); short protein forms G376fs.
Identifiers: ClinVar variation 552820 (VCV000552820.5), dbSNP rs1338860420, ClinGen allele CA570104047.

ClinVar aggregate classification (germline): Pathogenic. Review status: criteria provided, single submitter (1 of 4 stars). 2 submissions from 2 submitters: Pathogenic (1). 1 of the submissions does not count toward it. Last evaluated 2024-04-16.

Conditions:
Merosin deficient congenital muscular dystrophy (MDC1A). Also called: Congenital Muscular Dystrophy Type 1A (MDC1A); Congenital merosin-deficient muscular dystrophy 1A. Identifiers: Orphanet 258, MedGen C1263858, MONDO:0011925, OMIM 607855.
LAMA2-related muscular dystrophy (LAMA2-RD). Also called: Laminin alpha 2-related dystrophy. Identifiers: MedGen C5679788, MONDO:0100228.

Submissions (2):

Labcorp Genetics (formerly Invitae), Labcorp
Classification: Pathogenic for LAMA2-related muscular dystrophy. Last evaluated: 2024-04-16. Review status: criteria provided, single submitter. Criteria: Invitae Variant Classification Sherloc (09022015). Collection method: clinical testing. Allele origin: germline.
Comment: This sequence change creates a premature translational stop signal (p.Gly376Valfs*13) in the LAMA2 gene. It is expected to result in an absent or disrupted protein product. Loss-of-function variants in LAMA2 are known to be pathogenic (PMID: 18700894, 32904964). The frequency data for this variant in the population databases is considered unreliable, as metrics indicate poor data quality at this position in the gnomAD database. This premature translational stop signal has been observed in individual(s) with LAMA2-related conditions (PMID: 24225367). ClinVar contains an entry for this variant (Variation ID: 552820). For these reasons, this variant has been classified as Pathogenic.

Counsyl
Classification: Pathogenic for Merosin deficient congenital muscular dystrophy. Last evaluated: 2017-07-20. Review status: no assertion criteria provided. Collection method: clinical testing. Allele origin: unknown. Not counted in ClinVar's aggregate classification.

Literature cited by the submitters: PubMed 18700894 (cited by Labcorp Genetics (formerly Invitae), Labcorp); PubMed 32904964 (cited by Labcorp Genetics (formerly Invitae), Labcorp); PubMed 24225367 (cited by Labcorp Genetics (formerly Invitae), Labcorp and Counsyl).